The following is an entry in ClinVar:

NM_002291.3(LAMB1):c.1189+11A>G

Gene: LAMB1 (laminin subunit beta 1; minus strand). Cytogenetic location: 7q31.1.
Variant type: single nucleotide variant.
Coding change: c.1189+11A>G on transcript NM_002291.3 (MANE Select); 11 bases into the intron after coding-DNA position 1189, A replaced by G.
Molecular consequence: intron variant.
Genome position (GRCh38, 1-based): chr7:107,975,678, T>C on the plus strand (A>G on the coding strand, the complement: LAMB1 is on the minus strand). VCF-style: chr7-107975678-T-C. GRCh37 (hg19) VCF-style: chr7-107616123-T-C.
Identifiers: ClinVar variation 682455 (VCV000682455.10), dbSNP rs111256901, ClinGen allele CA4436097.

ClinVar aggregate classification (germline): Benign/Likely benign. Review status: criteria provided, multiple submitters, no conflicts (2 of 4 stars). 3 submissions from 3 submitters: Benign (1); Likely benign (2). Last evaluated 2025-12-08.

Allele frequency attached by ClinVar (database versions not stated): gnomAD exomes 0.00032; ExAC 0.00036; 1000 Genomes Project 30x 0.00109; 1000 Genomes Project 0.00120; gnomAD 0.00132 and 0.00145; TOPMed 0.00139; ESP Exome Variant Server 0.00215.
gnomAD v4.1: 428 of 1,604,678 alleles (0.027%); highest among the groups gnomAD compares: African/African-American, 0.48%; 3 homozygotes.

Submissions (3):

Labcorp Genetics (formerly Invitae), Labcorp
Classification: Benign. Last evaluated: 2025-12-08. Review status: criteria provided, single submitter. Criteria: Invitae Variant Classification Sherloc (09022015). Collection method: clinical testing. Allele origin: germline.

Blueprint Genetics
Classification: Likely benign. Last evaluated: 2024-06-27. Review status: criteria provided, single submitter. Criteria: ACMG Guidelines, 2015. Collection method: clinical testing. Allele origin: germline.

GeneDx
Classification: Likely benign. Last evaluated: 2018-04-30. Review status: criteria provided, single submitter. Criteria: GeneDx Variant Classification (06012015). Collection method: clinical testing. Allele origin: germline. Affected: yes.
Comment: This variant is considered likely benign or benign based on one or more of the following criteria: it is a conservative change, it occurs at a poorly conserved position in the protein, it is predicted to be benign by multiple in silico algorithms, and/or has population frequency not consistent with disease.